The following is an entry in ClinVar:

NM_018297.4(NGLY1):c.151T>C (p.Tyr51His)

Gene: NGLY1 (N-glycanase 1; minus strand). Cytogenetic location: 3p24.2.
Variant type: single nucleotide variant.
Coding change: c.151T>C on transcript NM_018297.4 (MANE Select); coding-DNA position 151, T replaced by C.
Protein change: p.Tyr51His; replaces tyrosine 51 with histidine.
Molecular consequence: missense variant.
Genome position (GRCh38, 1-based): chr3:25,778,669, A>G on the plus strand (T>C on the coding strand, the complement: NGLY1 is on the minus strand). VCF-style: chr3-25778669-A-G. GRCh37 (hg19) VCF-style: chr3-25820160-A-G.
Other names: c.151T>C, p.Tyr51His (NM_001145293.2, NM_001145295.2); c.25T>C, p.Tyr9His (NM_001145294.2); short protein forms Y9H, Y51H.
Identifiers: ClinVar variation 964897 (VCV000964897.4), dbSNP rs1708261567, ClinGen allele CA351911112.

ClinVar aggregate classification (germline): Uncertain significance (1 of 4 stars; one submission).

Conditions:
Congenital disorder of deglycosylation (CDDG). Identifiers: MedGen C3808991, MONDO:0031376.

Submission:

Labcorp Genetics (formerly Invitae), Labcorp
Classification: Uncertain significance for Congenital disorder of deglycosylation. Last evaluated: 2021-08-26. Review status: criteria provided, single submitter. Criteria: Invitae Variant Classification Sherloc (09022015). Collection method: clinical testing. Allele origin: germline.
Comment: This sequence change replaces tyrosine with histidine at codon 51 of the NGLY1 protein (p.Tyr51His). The tyrosine residue is highly conserved and there is a moderate physicochemical difference between tyrosine and histidine. This variant is not present in population databases (ExAC no frequency). This variant has not been reported in the literature in individuals affected with NGLY1-related conditions. Algorithms developed to predict the effect of missense changes on protein structure and function (SIFT, PolyPhen-2, Align-GVGD) all suggest that this variant is likely to be disruptive. In summary, the available evidence is currently insufficient to determine the role of this variant in disease. Therefore, it has been classified as a Variant of Uncertain Significance.